The following is an entry in ClinVar:

ClinVar aggregate classification (germline): Conflicting classifications of pathogenicity. Review status: criteria provided, conflicting classifications (1 of 4 stars). 2 submissions from 2 submitters: Uncertain significance (1); Likely benign (1). Last evaluated 2023-05-28.

Conditions:
Inborn genetic diseases. Identifiers: MedGen C0950123, MeSH D030342.
Generalized epilepsy-paroxysmal dyskinesia syndrome (PNKD3). Also called: Generalized epilepsy and paroxysmal dyskinesia; Paroxysmal nonkinesigenic dyskinesia, 3, with or without generalized epilepsy. Identifiers: Orphanet 79137, MedGen C5574945, MONDO:0012276, OMIM 609446.

Submissions (2):

Labcorp Genetics (formerly Invitae), Labcorp
Classification: Uncertain significance for Generalized epilepsy-paroxysmal dyskinesia syndrome. Last evaluated: 2023-05-28. Review status: criteria provided, single submitter. Criteria: Invitae Variant Classification Sherloc (09022015). Collection method: clinical testing. Allele origin: germline.
Comment: In summary, the available evidence is currently insufficient to determine the role of this variant in disease. Therefore, it has been classified as a Variant of Uncertain Significance. Experimental studies and prediction algorithms are not available or were not evaluated, and the functional significance of this variant is currently unknown. This variant has not been reported in the literature in individuals affected with KCNMA1-related conditions. The frequency data for this variant in the population databases is considered unreliable, as metrics indicate poor data quality at this position in the gnomAD database. This variant, c.126_137dup, results in the insertion of 4 amino acid(s) of the KCNMA1 protein (p.Ser57_Ser60dup), but otherwise preserves the integrity of the reading frame.

Ambry Genetics
Classification: Likely benign for Inborn genetic diseases. Last evaluated: 2022-05-05. Review status: criteria provided, single submitter. Criteria: Ambry Variant Classification Scheme 2023. Collection method: clinical testing. Allele origin: germline.

NM_001161352.2(KCNMA1):c.117CTC[11] (p.Ser57_Ser60dup)

Gene: KCNMA1 (potassium calcium-activated channel subfamily M alpha 1; minus strand). Cytogenetic location: 10q22.3.
Variant type: Microsatellite.
Coding change: c.117CTC[11] on transcript NM_001161352.2 (MANE Select); 11 copies in a row of the 3-base unit CTC starting at c.117; the reference has seven copies in a row; four copies, 12 bases duplicated.
Protein change: p.Ser57_Ser60dup.
Molecular consequence: inframe insertion.
Genome position (GRCh38, 1-based): chr10:77,637,506-77,637,517, GAGGAGGAGGAG duplicated on the plus strand (CTCCTCCTCCTC on the coding strand, the reverse complement: KCNMA1 is on the minus strand); duplicating any 12 consecutive bases within chr10:77,637,506-77,637,528 gives the same sequence; the position shown is the placement nearest the transcript's 3' end. VCF-style (leftmost placement, unchanged base first): chr10-77637505-A-AGAGGAGGAGGAG. GRCh37 (hg19) VCF-style: chr10-79397263-A-AGAGGAGGAGGAG.
Other names: c.126_137dupCTCCTCCTCCTC (NM_002247.3); c.117CTC[11], p.Ser57_Ser60dup (NM_001014797.3, NM_001161353.2, NM_001271518.2 and 12 more transcripts).
Identifiers: ClinVar variation 1345098 (VCV001345098.7), dbSNP rs572827902, ClinGen allele CA594712741.